The following is an entry in ClinVar:

NM_182961.4(SYNE1):c.19573-314T>C

Gene: SYNE1 (spectrin repeat containing nuclear envelope protein 1; minus strand). Cytogenetic location: 6q25.2.
Variant type: single nucleotide variant.
Coding change: c.19573-314T>C on transcript NM_182961.4 (MANE Select); 314 bases into the intron before coding-DNA position 19573, T replaced by C.
Molecular consequence: intron variant.
Genome position (GRCh38, 1-based): chr6:152,244,970, A>G on the plus strand (T>C on the coding strand, the complement: SYNE1 is on the minus strand). VCF-style: chr6-152244970-A-G. GRCh37 (hg19) VCF-style: chr6-152566105-A-G.
Other names: c.19360-314T>C (NM_033071.5).
Identifiers: ClinVar variation 683953 (VCV000683953.1), dbSNP rs4035028, ClinGen allele CA12213389.

ClinVar aggregate classification (germline): Benign (1 of 4 stars; one submission).

Allele frequency attached by ClinVar (database versions not stated): gnomAD 0.78229 and 0.78465; TOPMed 0.78527; 1000 Genomes Project 0.82768; 1000 Genomes Project 30x 0.83073.
gnomAD v4.1: 118,897 of 152,146 alleles (78%); highest among the groups gnomAD compares: African/African-American, 94%; 47,533 homozygotes.

Submission:

GeneDx
Classification: Benign. Last evaluated: 2018-06-18. Review status: criteria provided, single submitter. Criteria: GeneDx Variant Classification (06012015). Collection method: clinical testing. Allele origin: germline. Affected: yes.
Comment: This variant is considered likely benign or benign based on one or more of the following criteria: it is a conservative change, it occurs at a poorly conserved position in the protein, it is predicted to be benign by multiple in silico algorithms, and/or has population frequency not consistent with disease.